The following is an entry in ClinVar:

ClinVar aggregate classification (germline): Uncertain significance (1 of 4 stars; one submission).

Conditions:
Immunodeficiency, common variable, 10. Also called: DEFICIT IN ANTERIOR PITUITARY FUNCTION AND VARIABLE IMMUNODEFICIENCY; IMMUNODEFICIENCY, COMMON VARIABLE, WITH CENTRAL ADRENAL INSUFFICIENCY. Identifiers: MedGen C3809991, MONDO:0014260, OMIM 615577.

Allele frequency attached by ClinVar (database versions not stated): TOPMed 0.00001; gnomAD exomes 0.00003 and below 0.00001.
gnomAD v4.1: 38 of 1,613,164 alleles (0.0024%); highest among the groups gnomAD compares: Non-Finnish European, 0.0032%; no homozygotes.

Submission:

Labcorp Genetics (formerly Invitae), Labcorp
Classification: Uncertain significance for Immunodeficiency, common variable, 10. Last evaluated: 2023-07-26. Review status: criteria provided, single submitter. Criteria: Invitae Variant Classification Sherloc (09022015). Collection method: clinical testing. Allele origin: germline.
Comment: In summary, the available evidence is currently insufficient to determine the role of this variant in disease. Therefore, it has been classified as a Variant of Uncertain Significance. An algorithm developed to predict the effect of missense changes on protein structure and function (PolyPhen-2) suggests that this variant is likely to be tolerated. ClinVar contains an entry for this variant (Variation ID: 665491). This variant has not been reported in the literature in individuals affected with NFKB2-related conditions. The frequency data for this variant in the population databases is considered unreliable, as metrics indicate poor data quality at this position in the gnomAD database. This sequence change replaces alanine, which is neutral and non-polar, with glycine, which is neutral and non-polar, at codon 572 of the NFKB2 protein (p.Ala572Gly).

NM_001322934.2(NFKB2):c.1715C>G (p.Ala572Gly)

Gene: NFKB2 (nuclear factor kappa B subunit 2; plus strand). Cytogenetic location: 10q24.32.
Variant type: single nucleotide variant.
Coding change: c.1715C>G on transcript NM_001322934.2 (MANE Select); coding-DNA position 1715, C replaced by G.
Protein change: p.Ala572Gly; replaces alanine 572 with glycine.
Molecular consequence: missense variant.
Genome position (GRCh38, 1-based): chr10:102,400,408, C>G. VCF-style: chr10-102400408-C-G. GRCh37 (hg19) VCF-style: chr10-104160165-C-G.
Other names: c.1715C>G, p.Ala572Gly (LRG_1347t1, NM_001077494.3, NM_001261403.3 and 2 more transcripts); c.1589C>G, p.Ala530Gly (NM_001322935.1); short protein forms A572G, A530G.
Identifiers: ClinVar variation 665491 (VCV000665491.8), dbSNP rs997689416, ClinGen allele CA212217742.